The following is an entry in ClinVar:

ClinVar aggregate classification (germline): Benign/Likely benign. Review status: criteria provided, multiple submitters, no conflicts (2 of 4 stars). 22 submissions from 22 submitters: Benign (5); Likely benign (8). 9 of the submissions do not count toward it. Last evaluated 2026-02-02.

Conditions:
Breast-ovarian cancer, familial, susceptibility to, 5 (BROVCA5). Identifiers: MedGen C5830615, MONDO:0957530, OMIM 620442.
Breast and/or ovarian cancer. Identifiers: MedGen CN221562.
Hereditary cancer-predisposing syndrome. Also called: Hereditary neoplastic syndrome; Tumor predisposition; Neoplastic Syndromes, Hereditary; Hereditary Cancer Syndrome. Identifiers: Orphanet 140162, MedGen C0027672, MeSH D009386, MONDO:0015356.
Familial cancer of breast. Also called: hereditary breast carcinoma; Hereditary breast cancer; BREAST CANCER, FAMILIAL. Identifiers: Orphanet 227535, MedGen C0346153, MONDO:0016419, OMIM 114480. Disease mechanism: loss of function.
Fanconi anemia complementation group N. Also called: PALB2-Related Fanconi Anemia. Identifiers: Orphanet 84, MedGen C1835817, MONDO:0012565, OMIM 610832. Disease mechanism: loss of function.
Pancreatic cancer, susceptibility to, 3. Identifiers: Orphanet 1333, MedGen C3150547, MONDO:0013236, OMIM 613348.

Allele frequency attached by ClinVar (database versions not stated): gnomAD 0.00060 and 0.00072; TOPMed 0.00079; ESP Exome Variant Server 0.00092; gnomAD exomes 0.00105 and 0.00153; 1000 Genomes Project 0.00120; 1000 Genomes Project 30x 0.00125; ExAC 0.00161.
gnomAD v4.1: 1,670 of 1,613,872 alleles (0.1%); highest among the groups gnomAD compares: Middle Eastern, 0.53%; 6 homozygotes.

Submissions (22):

Labcorp Genetics (formerly Invitae), Labcorp
Classification: Benign for Familial cancer of breast. Last evaluated: 2026-02-02. Review status: criteria provided, single submitter. Criteria: Invitae Variant Classification Sherloc (09022015). Collection method: clinical testing. Allele origin: germline.

Center for Genomic Medicine, Rigshospitalet, Copenhagen University Hospital
Classification: Likely benign. Last evaluated: 2025-03-04. Review status: criteria provided, single submitter. Criteria: ACMG Guidelines, 2015. Collection method: clinical testing. Allele origin: germline.

Blueprint Genetics
Classification: Likely benign. Last evaluated: 2024-11-27. Review status: criteria provided, single submitter. Criteria: ACMG Guidelines, 2015. Collection method: clinical testing. Allele origin: germline.

Dasa
Classification: Benign for Breast-ovarian cancer, familial, susceptibility to, 5. Last evaluated: 2024-11-20. Review status: criteria provided, single submitter. Criteria: DASA Assertion Criteria. Collection method: clinical testing. Allele origin: germline.
Comment: NM_024675.4(PALB2):c.2996+17T>C is interpreted as benign based on a combination of available evidence, including population frequency, in silico models suggesting no deleterious effect, and the mechanism of disease or impacted region being inconsistent with a known cause of pathogenicity. Based on the available data, this variant is classified as benign.

KCCC/NGS Laboratory, Kuwait Cancer Control Center
Classification: Benign for Breast-ovarian cancer, familial, susceptibility to, 5. Last evaluated: 2023-07-07. Review status: criteria provided, single submitter. Criteria: ACMG Guidelines, 2015. Collection method: clinical testing. Allele origin: germline. Affected: yes.

Department of Pathology and Laboratory Medicine, Sinai Health System
Classification: Likely benign for Breast-ovarian cancer, familial, susceptibility to, 5. Last evaluated: 2022-12-28. Review status: criteria provided, single submitter. Criteria: ACMG Guidelines, 2015. Collection method: clinical testing. Allele origin: germline. Affected: yes.

CHEO Genetics Diagnostic Laboratory, Children's Hospital of Eastern Ontario
Classification: Likely benign for Breast and/or ovarian cancer. Last evaluated: 2022-03-22. Review status: criteria provided, single submitter. Criteria: ACMG Guidelines, 2015. Collection method: clinical testing. Allele origin: germline.

Fulgent Genetics
Classification: Likely benign for Familial cancer of breast; Fanconi anemia complementation group N; Pancreatic cancer, susceptibility to, 3. Last evaluated: 2021-09-08. Review status: criteria provided, single submitter. Criteria: ACMG Guidelines, 2015. Collection method: clinical testing. Allele origin: unknown.

Ambry Genetics
Classification: Likely benign for Hereditary cancer-predisposing syndrome. Last evaluated: 2019-01-29. Review status: criteria provided, single submitter. Criteria: Ambry Variant Classification Scheme 2023. Collection method: clinical testing. Allele origin: germline.

Color Diagnostics, LLC DBA Color Health
Classification: Likely benign for Hereditary cancer-predisposing syndrome. Last evaluated: 2015-04-01. Review status: criteria provided, single submitter. Criteria: ACMG Guidelines, 2015. Collection method: clinical testing. Allele origin: germline.

GeneDx
Classification: Benign. Last evaluated: 2014-01-27. Review status: criteria provided, single submitter. Criteria: GeneDx Variant Classification (06012015). Collection method: clinical testing. Allele origin: germline. Affected: yes.
Comment: This variant is considered likely benign or benign based on one or more of the following criteria: it is a conservative change, it occurs at a poorly conserved position in the protein, it is predicted to be benign by multiple in silico algorithms, and/or has population frequency not consistent with disease.

Breakthrough Genomics
Classification: Likely benign. Review status: criteria provided, single submitter. Criteria: ACMG Guidelines, 2015. Collection method: not provided. Allele origin: germline. Inheritance: Autosomal dominant inheritance. Affected: yes.

PreventionGenetics, part of Exact Sciences
Classification: Benign. Review status: criteria provided, single submitter. Criteria: ACMG Guidelines, 2015. Collection method: clinical testing. Allele origin: germline.

Leiden Open Variation Database
Classification: Likely benign for Familial cancer of breast. Last evaluated: 2019-05-13. Review status: no assertion criteria provided. Collection method: curation. Allele origin: germline. Affected: yes. Not counted in ClinVar's aggregate classification.
Comment: Curators: Marc Tischkowitz, Arleen D. Auerbach. Submitter to LOVD: Marc Tischkowitz.

Counsyl
Classification: Likely benign for Familial cancer of breast. Last evaluated: 2017-01-18. Review status: no assertion criteria provided. Collection method: clinical testing. Allele origin: unknown. Not counted in ClinVar's aggregate classification.

University of Washington Department of Laboratory Medicine, University of Washington
Classification: Likely benign for Hereditary cancer-predisposing syndrome. Last evaluated: 2015-12-01. Review status: no assertion criteria provided. Collection method: clinical testing. Allele origin: germline. Affected: yes. Not counted in ClinVar's aggregate classification.

Clinical Genetics Laboratory, Department of Pathology, Netherlands Cancer Institute
Classification: Likely benign. Review status: no assertion criteria provided. Collection method: clinical testing. Allele origin: germline. Affected: yes. Study: VKGL Data-share Consensus. Not counted in ClinVar's aggregate classification.

Diagnostic Laboratory, Department of Genetics, University Medical Center Groningen
Classification: Likely benign. Review status: no assertion criteria provided. Collection method: clinical testing. Allele origin: germline. Affected: yes. Study: VKGL Data-share Consensus. Not counted in ClinVar's aggregate classification.

Genome Diagnostics Laboratory, Amsterdam University Medical Center
Classification: Likely benign. Review status: no assertion criteria provided. Collection method: clinical testing. Allele origin: germline. Affected: yes. Study: VKGL Data-share Consensus. Not counted in ClinVar's aggregate classification.

Genome Diagnostics Laboratory, University Medical Center Utrecht
Classification: Likely benign. Review status: no assertion criteria provided. Collection method: clinical testing. Allele origin: germline. Affected: yes. Study: VKGL Data-share Consensus. Not counted in ClinVar's aggregate classification.

Joint Genome Diagnostic Labs from Nijmegen and Maastricht, Radboudumc and MUMC+
Classification: Likely benign. Review status: no assertion criteria provided. Collection method: clinical testing. Allele origin: germline. Affected: yes. Study: VKGL Data-share Consensus. Not counted in ClinVar's aggregate classification.

Laboratory of Diagnostic Genome Analysis, Leiden University Medical Center (LUMC)
Classification: Likely benign. Review status: no assertion criteria provided. Collection method: clinical testing. Allele origin: germline. Affected: yes. Study: VKGL Data-share Consensus. Not counted in ClinVar's aggregate classification.

Literature cited by the submitters: PubMed 19763884 (cited by 3 submitters); PubMed 24556926 (cited by 3 submitters); PubMed 20582465 (cited by Counsyl); PubMed 21279724 (cited by Counsyl); PubMed 26564480 (cited by Counsyl).

NM_024675.4(PALB2):c.2996+17T>C

Gene: PALB2 (partner and localizer of BRCA2; minus strand). Cytogenetic location: 16p12.2.
Variant type: single nucleotide variant.
Coding change: c.2996+17T>C on transcript NM_024675.4 (MANE Select); 17 bases into the intron after coding-DNA position 2996, T replaced by C.
Molecular consequence: intron variant.
Genome position (GRCh38, 1-based): chr16:23,622,952, A>G on the plus strand (T>C on the coding strand, the complement: PALB2 is on the minus strand). VCF-style: chr16-23622952-A-G. GRCh37 (hg19) VCF-style: chr16-23634273-A-G.
Identifiers: ClinVar variation 126701 (VCV000126701.39), dbSNP rs180177128, ClinGen allele CA269590.